The following is an entry in ClinVar:

NM_004364.5(CEBPA):c.251A>T (p.His84Leu)

Gene: CEBPA (CCAAT enhancer binding protein alpha; minus strand). Cytogenetic location: 19q13.11.
Variant type: single nucleotide variant.
Coding change: c.251A>T on transcript NM_004364.5 (MANE Select); coding-DNA position 251, A replaced by T.
Protein change: p.His84Leu; replaces histidine 84 with leucine.
Molecular consequence: missense variant. On other transcripts: 5 prime UTR variant (1).
Genome position (GRCh38, 1-based): chr19:33,302,164, T>A on the plus strand (A>T on the coding strand, the complement: CEBPA is on the minus strand). VCF-style: chr19-33302164-T-A. GRCh37 (hg19) VCF-style: chr19-33793070-T-A.
Other names: c.-107A>T (NM_001285829.2); c.356A>T, p.His119Leu (NM_001287424.2); c.209A>T, p.His70Leu (NM_001287435.2); c.251A>T (NM_004364.3); short protein forms H84L, H119L, H70L.
Identifiers: ClinVar variation 17568 (VCV000017568.3), dbSNP rs28931590, ClinGen allele CA280231.
Genomic context (GRCh38, chr19:33,302,164, plus strand): 5'-CCGCCGCCGCCGCCGCCCGTGGGGCCCACGGCCGCCTTGGCCTTCTCCTGCTGCCGGCTG[T>A]GCTGGAACAGGTCGGCCAGGAACTCGTCGTTGAAGGCGGCCGGGTCGATGTAGGCGCTGA-3'
Protein context (NP_004355.2, residues 74-94): NDEFLADLFQ[His84Leu]SRQQEKAKAA

ClinVar aggregate classification (germline): Uncertain significance. Review status: criteria provided, single submitter (1 of 4 stars). 2 submissions from 2 submitters: Uncertain significance (1). 1 of the submissions does not count toward it. Last evaluated 2025-07-29.

Conditions:
Inborn genetic diseases. Identifiers: MedGen C0950123, MeSH D030342.
Acute myeloid leukemia (AML). Also called: Acute myeloid leukemia, adult; AML adult; Acute non-lymphocytic leukemia; Acute granulocytic leukemia; Leukemia, acute myeloid, somatic; Leukemia, acute myelogenous, somatic. Identifiers: Orphanet 519, MedGen C0023467, MeSH D015470, MONDO:0018874, OMIM 601626, HP:0004808. Disease mechanism: Constitutively activated FLT3.

Submissions (2):

Ambry Genetics
Classification: Uncertain significance for Inborn genetic diseases. Last evaluated: 2025-07-29. Review status: criteria provided, single submitter. Criteria: Ambry Variant Classification Scheme 2023. Collection method: clinical testing. Allele origin: germline.
Comment: The p.H84L variant (also known as c.251A>T), located in coding exon 1 of the CEBPA gene, results from an A to T substitution at nucleotide position 251. The histidine at codon 84 is replaced by leucine, an amino acid with similar properties. This amino acid position is well conserved in available vertebrate species. In addition, this alteration is predicted to be tolerated by in silico analysis. Based on the available evidence, the clinical significance of this variant remains unclear.

OMIM
Classification: Pathogenic for LEUKEMIA, ACUTE MYELOID, SOMATIC. Last evaluated: 2001-03-01. Review status: no assertion criteria provided. Collection method: literature only. Allele origin: somatic. Not counted in ClinVar's aggregate classification.

Literature cited by the submitters: PubMed 11242107 (cited by OMIM).